The following is an entry in ClinVar:

ClinVar aggregate classification (germline): Uncertain significance (1 of 4 stars; one submission).

Conditions:
Cardiovascular phenotype. Identifiers: MedGen CN230736.
Hereditary cancer-predisposing syndrome. Also called: Neoplastic Syndromes, Hereditary; Tumor predisposition; Hereditary Cancer Syndrome; Hereditary neoplastic syndrome. Identifiers: Orphanet 140162, MedGen C0027672, MeSH D009386, MONDO:0015356.

Submission:

Ambry Genetics
Classification: Uncertain significance for Cardiovascular phenotype; Hereditary cancer-predisposing syndrome. Last evaluated: 2025-10-06. Review status: criteria provided, single submitter. Criteria: Ambry Variant Classification Scheme 2023. Collection method: clinical testing. Allele origin: germline.
Comment: The p.I429F variant (also known as c.1285A>T), located in coding exon 12 of the NF1 gene, results from an A to T substitution at nucleotide position 1285. The isoleucine at codon 429 is replaced by phenylalanine, an amino acid with highly similar properties. This amino acid position is conserved. In addition, this alteration is predicted to be deleterious by in silico analysis. Based on the available evidence, the clinical significance of this variant remains unclear.

NM_001042492.3(NF1):c.1285A>T (p.Ile429Phe)

Gene: NF1 (neurofibromin 1; plus strand). Cytogenetic location: 17q11.2.
Variant type: single nucleotide variant.
Coding change: c.1285A>T on transcript NM_001042492.3 (MANE Select); coding-DNA position 1285, A replaced by T.
Protein change: p.Ile429Phe; replaces isoleucine 429 with phenylalanine.
Molecular consequence: missense variant.
Genome position (GRCh38, 1-based): chr17:31,206,264, A>T. VCF-style: chr17-31206264-A-T. GRCh37 (hg19) VCF-style: chr17-29533282-A-T.
Other names: c.1285A>T, p.Ile429Phe (NM_000267.4, NM_001128147.3); short protein forms I429F.
Identifiers: ClinVar variation 4615749 (VCV004615749.1).
Genomic context (GRCh38, chr17:31,206,264, plus strand): 5'-TACTTTTTCTTCCTATTGGTCTTTGTTTTTCTCTAGTCCGCATTGGATTGGTGGCCTAAG[A>T]TTGATGCTGTGTATTGTCACTCGGTTGAACTTCGAAATATGTTTGGTGAAACACTTCATA-3'
Protein context (NP_001035957.1, residues 419-439): TNSALDWWPK[Ile429Phe]DAVYCHSVEL